The following is an entry in ClinVar:

ClinVar aggregate classification (germline): Uncertain significance (1 of 4 stars; one submission).

Allele frequency attached by ClinVar (database versions not stated): gnomAD 0.00001; ExAC 0.00002; TOPMed 0.00003; gnomAD exomes 0.00004.
gnomAD v4.1: 53 of 1,613,720 alleles (0.0033%); highest among the groups gnomAD compares: Non-Finnish European, 0.0044%; no homozygotes.

Submission:

Labcorp Genetics (formerly Invitae), Labcorp
Classification: Uncertain significance. Last evaluated: 2024-05-29. Review status: criteria provided, single submitter. Criteria: Invitae Variant Classification Sherloc (09022015). Collection method: clinical testing. Allele origin: germline.
Comment: This sequence change replaces isoleucine, which is neutral and non-polar, with valine, which is neutral and non-polar, at codon 1445 of the C3 protein (p.Ile1445Val). This variant is present in population databases (rs756200539, gnomAD 0.003%). This variant has not been reported in the literature in individuals affected with C3-related conditions. ClinVar contains an entry for this variant (Variation ID: 2419820). Advanced modeling of protein sequence and biophysical properties (such as structural, functional, and spatial information, amino acid conservation, physicochemical variation, residue mobility, and thermodynamic stability) performed at Invitae indicates that this missense variant is not expected to disrupt C3 protein function with a negative predictive value of 80%. In summary, the available evidence is currently insufficient to determine the role of this variant in disease. Therefore, it has been classified as a Variant of Uncertain Significance.

NM_000064.4(C3):c.4333A>G (p.Ile1445Val)

Gene: C3 (complement C3; minus strand). Cytogenetic location: 19p13.3.
Variant type: single nucleotide variant.
Coding change: c.4333A>G on transcript NM_000064.4 (MANE Select); coding-DNA position 4333, A replaced by G.
Protein change: p.Ile1445Val; replaces isoleucine 1445 with valine.
Molecular consequence: missense variant.
Genome position (GRCh38, 1-based): chr19:6,681,958, T>C on the plus strand (A>G on the coding strand, the complement: C3 is on the minus strand). VCF-style: chr19-6681958-T-C. GRCh37 (hg19) VCF-style: chr19-6681969-T-C.
Other names: short protein forms I1445V.
Identifiers: ClinVar variation 2419820 (VCV002419820.6), dbSNP rs756200539, ClinGen allele CA9128435.